The following is an entry in ClinVar:

NM_016390.4(SPOUT1):c.267G>A (p.Ser89=)

Genes: KYAT1-SPOUT1 (KYAT1-SPOUT1 readthrough; minus strand), SPOUT1 (SPOUT domain containing methyltransferase 1; minus strand). Cytogenetic location: 9q34.11.
Variant type: single nucleotide variant.
Coding change: c.267G>A on transcript NM_016390.4 (MANE Select); coding-DNA position 267, G replaced by A.
Protein change: p.Ser89=; no amino-acid change (serine 89 retained).
Molecular consequence: synonymous variant. On other transcripts: non-coding transcript variant (2).
Genome position (GRCh38, 1-based): chr9:128,827,133, C>T on the plus strand (G>A on the coding strand, the complement: SPOUT1 is on the minus strand). VCF-style: chr9-128827133-C-T. GRCh37 (hg19) VCF-style: chr9-131589412-C-T.
Other names: c.1614G>A, p.Ser538= (NM_001414398.1).
Identifiers: ClinVar variation 5040884 (VCV005040884.1).
Genomic context (GRCh38, chr9:128,827,133, plus strand): 5'-CACACAGAAGATGGCACAGGCTCTGGCAATCTGACCGGCCAAGTAGGTGCGAAGCTCCGG[C>T]GACTGAGCATTGTCCAGGATGGAGCCCGGCAGGGCTACGCTCAGTGTGTAGGGCCGCCCT-3'
Protein context (NP_057474.2, residues 79-99): LPGSILDNAQ[Ser89=]PELRTYLAGQ

ClinVar aggregate classification (germline): Likely benign (1 of 4 stars; one submission).

gnomAD v4.1: 11 of 1,613,918 alleles (0.00068%); highest among the groups gnomAD compares: Admixed American, 0.0017%; no homozygotes.

Submission:

CeGaT Center for Human Genetics Tuebingen
Classification: Likely benign. Last evaluated: 2026-09-01. Review status: criteria provided, single submitter. Criteria: CeGaT Center For Human Genetics Tuebingen Variant Classification Criteria Version 2. Collection method: clinical testing. Allele origin: germline. Affected: yes. Observed: 1 variant allele.
Comment: SPOUT1: BP4, BP7